The following is an entry in ClinVar:

ClinVar aggregate classification (germline): Uncertain significance (1 of 4 stars; one submission).

Conditions:
Norman-Roberts syndrome (LIS2). Also called: Lissencephaly 2 (Norman-Roberts type). Identifiers: Orphanet 89844, MedGen C0796089, MONDO:0009760, OMIM 257320.
Familial temporal lobe epilepsy 7. Identifiers: Orphanet 101046, MedGen C4225327, MONDO:0014639, OMIM 616436.

Submission:

Labcorp Genetics (formerly Invitae), Labcorp
Classification: Uncertain significance for Familial temporal lobe epilepsy 7; Norman-Roberts syndrome. Last evaluated: 2022-08-24. Review status: criteria provided, single submitter. Criteria: Invitae Variant Classification Sherloc (09022015). Collection method: clinical testing. Allele origin: germline.
Comment: In summary, the available evidence is currently insufficient to determine the role of this variant in disease. Therefore, it has been classified as a Variant of Uncertain Significance. Algorithms developed to predict the effect of missense changes on protein structure and function are either unavailable or do not agree on the potential impact of this missense change (SIFT: "Deleterious"; PolyPhen-2: "Benign"; Align-GVGD: "Class C0"). This variant has not been reported in the literature in individuals affected with RELN-related conditions. This variant is not present in population databases (gnomAD no frequency). This sequence change replaces asparagine, which is neutral and polar, with aspartic acid, which is acidic and polar, at codon 305 of the RELN protein (p.Asn305Asp).

NM_005045.4(RELN):c.913A>G (p.Asn305Asp)

Gene: RELN (reelin; minus strand). Cytogenetic location: 7q22.1.
Variant type: single nucleotide variant.
Coding change: c.913A>G on transcript NM_005045.4 (MANE Select); coding-DNA position 913, A replaced by G.
Protein change: p.Asn305Asp; replaces asparagine 305 with aspartic acid.
Molecular consequence: missense variant.
Genome position (GRCh38, 1-based): chr7:103,698,083, T>C on the plus strand (A>G on the coding strand, the complement: RELN is on the minus strand). VCF-style: chr7-103698083-T-C. GRCh37 (hg19) VCF-style: chr7-103338530-T-C.
Other names: c.913A>G, p.Asn305Asp (NM_173054.3); short protein forms N305D.
Identifiers: ClinVar variation 1717934 (VCV001717934.5), dbSNP rs983944397, ClinGen allele CA368927902.
Genomic context (GRCh38, chr7:103,698,083, plus strand): 5'-GGACATTCTCCCCTTTGGCGTCCTCAGGAAGGTAGAGGATATGGATGATTGTGCTGACAT[T>C]GGAAGGGGCTCTGGAACATACAGAGAGATGGCAAGTTTAGCAATGCTGACTTTTTCTTTC-3'
Protein context (NP_005036.2, residues 295-315): IQLEKIRAPS[Asn305Asp]VSTIIHILYL